The following is an entry in ClinVar:

ClinVar aggregate classification (germline): Conflicting classifications of pathogenicity. Review status: criteria provided, conflicting classifications (1 of 4 stars). 4 submissions from 4 submitters: Uncertain significance (1); Likely benign (3). Last evaluated 2026-01-18.

Conditions:
SNRNP200-related disorder. Also called: SNRNP200-related condition.
Retinitis pigmentosa (RP). Identifiers: Orphanet 791, MedGen C0035334, MeSH D012174, MONDO:0019200, OMIM 268000. Inheritance: Autosomal dominant, autosomal recessive and X linked inheritance.

Allele frequency attached by ClinVar (database versions not stated): ExAC 0.00013; gnomAD exomes 0.00014 and 0.00016; 1000 Genomes Project 30x 0.00016; gnomAD 0.00016 and 0.00017; TOPMed 0.00017; 1000 Genomes Project 0.00020; ESP Exome Variant Server 0.00046.
gnomAD v4.1: 251 of 1,614,130 alleles (0.016%); highest among the groups gnomAD compares: Admixed American, 0.032%; no homozygotes.

Submissions (4):

Labcorp Genetics (formerly Invitae), Labcorp
Classification: Likely benign. Last evaluated: 2026-01-18. Review status: criteria provided, single submitter. Criteria: Invitae Variant Classification Sherloc (09022015). Collection method: clinical testing. Allele origin: germline.

PreventionGenetics, part of Exact Sciences
Classification: Likely benign for SNRNP200-related condition. Last evaluated: 2025-02-24. Review status: criteria provided, single submitter. Criteria: ACMG Guidelines, 2015. Collection method: clinical testing. Allele origin: germline.
Comment: This variant is classified as likely benign based on ACMG/AMP sequence variant interpretation guidelines (Richards et al. 2015 PMID: 25741868, with internal and published modifications).

Blueprint Genetics
Classification: Likely benign. Last evaluated: 2024-03-02. Review status: criteria provided, single submitter. Criteria: ACMG Guidelines, 2015. Collection method: clinical testing. Allele origin: germline.

Illumina Laboratory Services, Illumina
Classification: Uncertain significance for Retinitis pigmentosa. Last evaluated: 2018-01-12. Review status: criteria provided, single submitter. Criteria: ICSL Variant Classification Criteria 13 December 2019. Collection method: clinical testing. Allele origin: germline.

NM_014014.5(SNRNP200):c.4029C>T (p.Asp1343=)

Gene: SNRNP200 (small nuclear ribonucleoprotein U5 subunit 200; minus strand). Cytogenetic location: 2q11.2.
Variant type: single nucleotide variant.
Coding change: c.4029C>T on transcript NM_014014.5 (MANE Select); coding-DNA position 4029, C replaced by T.
Protein change: p.Asp1343=; no amino-acid change (aspartic acid 1343 retained).
Molecular consequence: synonymous variant.
Genome position (GRCh38, 1-based): chr2:96,285,315, G>A on the plus strand (C>T on the coding strand, the complement: SNRNP200 is on the minus strand). VCF-style: chr2-96285315-G-A. GRCh37 (hg19) VCF-style: chr2-96951053-G-A.
Identifiers: ClinVar variation 337545 (VCV000337545.15), dbSNP rs145242546, ClinGen allele CA1778315.